The following is an entry in ClinVar:

NM_001348946.2(ABCB1):c.1794C>T (p.Ile598=)

Gene: ABCB1 (ATP binding cassette subfamily B member 1; minus strand). Cytogenetic location: 7q21.12.
Variant type: single nucleotide variant.
Coding change: c.1794C>T on transcript NM_001348946.2 (MANE Select); coding-DNA position 1794, C replaced by T.
Protein change: p.Ile598=; no amino-acid change (isoleucine 598 retained).
Molecular consequence: synonymous variant.
Genome position (GRCh38, 1-based): chr7:87,545,956, G>A on the plus strand (C>T on the coding strand, the complement: ABCB1 is on the minus strand). VCF-style: chr7-87545956-G-A. GRCh37 (hg19) VCF-style: chr7-87175272-G-A.
Other names: c.1794C>T, p.Ile598= (NM_000927.5, NM_001348944.2); c.2004C>T, p.Ile668= (NM_001348945.2).
Identifiers: ClinVar variation 747402 (VCV000747402.5), dbSNP rs28381915, ClinGen allele CA4328211.

ClinVar aggregate classification (germline): Likely benign. Review status: criteria provided, multiple submitters, no conflicts (2 of 4 stars). 3 submissions from 3 submitters: Likely benign (2). 1 of the submissions does not count toward it. Last evaluated 2018-06-06.

Conditions:
ABCB1-related disorder. Also called: ABCB1-related condition.

Allele frequency attached by ClinVar (database versions not stated): gnomAD exomes 0.00012 and 0.00019; ExAC 0.00013; TOPMed 0.00014; 1000 Genomes Project 30x 0.00016; gnomAD 0.00018; ESP Exome Variant Server 0.00023.
gnomAD v4.1: 301 of 1,614,084 alleles (0.019%); highest among the groups gnomAD compares: Middle Eastern, 0.31%; 1 homozygote.

Submissions (3):

Labcorp Genetics (formerly Invitae), Labcorp
Classification: Likely benign. Last evaluated: 2018-06-06. Review status: criteria provided, single submitter. Criteria: Invitae Variant Classification Sherloc (09022015). Collection method: clinical testing. Allele origin: germline.

Breakthrough Genomics
Classification: Likely benign. Review status: criteria provided, single submitter. Criteria: ACMG Guidelines, 2015. Collection method: not provided. Allele origin: germline. Inheritance: Unknown mechanism. Affected: yes.

PreventionGenetics, part of Exact Sciences
Classification: Likely benign for ABCB1-related condition. Last evaluated: 2024-07-17. Review status: no assertion criteria provided. Collection method: clinical testing. Allele origin: germline. Not counted in ClinVar's aggregate classification.
Comment: This variant is classified as likely benign based on ACMG/AMP sequence variant interpretation guidelines (Richards et al. 2015 PMID: 25741868, with internal and published modifications).